The following is an entry in ClinVar:

NM_006269.2(RP1):c.50C>A (p.Ser17Tyr)

Gene: RP1 (RP1 axonemal microtubule associated; plus strand). Cytogenetic location: 8q12.1.
Variant type: single nucleotide variant.
Coding change: c.50C>A on transcript NM_006269.2 (MANE Select); coding-DNA position 50, C replaced by A.
Protein change: p.Ser17Tyr; replaces serine 17 with tyrosine.
Molecular consequence: missense variant.
Genome position (GRCh38, 1-based): chr8:54,621,016, C>A. VCF-style: chr8-54621016-C-A. GRCh37 (hg19) VCF-style: chr8-55533576-C-A.
Other names: c.50C>A, p.Ser17Tyr (NM_001375654.1); short protein forms S17Y.
Identifiers: ClinVar variation 1483213 (VCV001483213.8), dbSNP rs751706452, ClinGen allele CA4751076.
Genomic context (GRCh38, chr8:54,621,016, plus strand): 5'-TCTCAGCCAAAATGAGTGATACCCCTTCTACTGGTTTTTCCATCATTCATCCTACGTCTT[C>A]TGAAGGTCAAGTTCCACCCCCTCGCCATTTGAGCCTCACTCATCCTGTTGTGGCCAAGCG-3'
Protein context (NP_006260.1, residues 7-27): TGFSIIHPTS[Ser17Tyr]EGQVPPPRHL

ClinVar aggregate classification (germline): Uncertain significance (1 of 4 stars; one submission).

Allele frequency attached by ClinVar (database versions not stated): gnomAD exomes 0.00002 and 0.00001; TOPMed 0.00003; ExAC 0.00001; gnomAD 0.00001.
gnomAD v4.1: 9 of 1,614,070 alleles (0.00056%); highest among the groups gnomAD compares: Admixed American, 0.012%; no homozygotes.

Submission:

Labcorp Genetics (formerly Invitae), Labcorp
Classification: Uncertain significance. Last evaluated: 2022-08-08. Review status: criteria provided, single submitter. Criteria: Invitae Variant Classification Sherloc (09022015). Collection method: clinical testing. Allele origin: germline.
Comment: ClinVar contains an entry for this variant (Variation ID: 1483213). This missense change has been observed in individual(s) with autosomal dominant retinitis pigmentosa (Invitae). This variant is present in population databases (rs751706452, gnomAD 0.009%). This sequence change replaces serine, which is neutral and polar, with tyrosine, which is neutral and polar, at codon 17 of the RP1 protein (p.Ser17Tyr). Algorithms developed to predict the effect of missense changes on protein structure and function are either unavailable or do not agree on the potential impact of this missense change (SIFT: "Tolerated"; PolyPhen-2: "Possibly Damaging"; Align-GVGD: "Class C0"). In summary, the available evidence is currently insufficient to determine the role of this variant in disease. Therefore, it has been classified as a Variant of Uncertain Significance.